The following is an entry in ClinVar:

NM_000350.3(ABCA4):c.1944G>T (p.Met648Ile)

Gene: ABCA4 (ATP binding cassette subfamily A member 4; minus strand). Cytogenetic location: 1p22.1.
Variant type: single nucleotide variant.
Coding change: c.1944G>T on transcript NM_000350.3 (MANE Select); coding-DNA position 1944, G replaced by T.
Protein change: p.Met648Ile; replaces methionine 648 with isoleucine.
Molecular consequence: missense variant.
Genome position (GRCh38, 1-based): chr1:94,060,753, C>A on the plus strand (G>T on the coding strand, the complement: ABCA4 is on the minus strand). VCF-style: chr1-94060753-C-A. GRCh37 (hg19) VCF-style: chr1-94526309-C-A.
Other names: c.1944G>T, p.Met648Ile (NM_001425324.1); short protein forms M648I.
Identifiers: ClinVar variation 859013 (VCV000859013.8), dbSNP rs770565005, ClinGen allele CA958379.

ClinVar aggregate classification (germline): Uncertain significance (1 of 4 stars; one submission).

Allele frequency attached by ClinVar (database versions not stated): gnomAD below 0.00001 and 0.00002; gnomAD exomes 0.00002 and 0.00005; ExAC 0.00005.
gnomAD v4.1: 26 of 1,610,590 alleles (0.0016%); highest among the groups gnomAD compares: South Asian, 0.029%; no homozygotes.

Submission:

Labcorp Genetics (formerly Invitae), Labcorp
Classification: Uncertain significance. Last evaluated: 2022-07-19. Review status: criteria provided, single submitter. Criteria: Invitae Variant Classification Sherloc (09022015). Collection method: clinical testing. Allele origin: germline.
Comment: This sequence change replaces methionine, which is neutral and non-polar, with isoleucine, which is neutral and non-polar, at codon 648 of the ABCA4 protein (p.Met648Ile). This variant is present in population databases (rs770565005, gnomAD 0.04%). This variant has not been reported in the literature in individuals affected with ABCA4-related conditions. ClinVar contains an entry for this variant (Variation ID: 859013). Algorithms developed to predict the effect of missense changes on protein structure and function are either unavailable or do not agree on the potential impact of this missense change (SIFT: "Deleterious"; PolyPhen-2: "Possibly Damaging"; Align-GVGD: "Class C0"). In summary, the available evidence is currently insufficient to determine the role of this variant in disease. Therefore, it has been classified as a Variant of Uncertain Significance.